The following is an entry in ClinVar:

ClinVar aggregate classification (germline): Likely pathogenic (1 of 4 stars; one submission).

Conditions:
Deficiency of UDPglucose-hexose-1-phosphate uridylyltransferase. Also called: GALACTOSE-1-PHOSPHATE URIDYLYLTRANSFERASE DEFICIENCY; Transferase Deficiency Galactosemia; GALACTOSEMIA I; GALT deficiency; Galactosemia, classic. Identifiers: Orphanet 352, Orphanet 79239, MedGen C0268151, MONDO:0009258, OMIM 230400.

Submission:

Myriad Genetics, Inc.
Classification: Likely pathogenic for Deficiency of UDPglucose-hexose-1-phosphate uridylyltransferase. Last evaluated: 2022-03-17. Review status: criteria provided, single submitter. Criteria: Myriad Women's Health Autosomal Recessive and X-Linked Classification Criteria (2021). Collection method: clinical testing. Allele origin: unknown.
Comment: NM_000155.3(GALT):c.615_616delTC(Q206Afs*4) is expected to be pathogenic in the context of galactosemia. This variant is predicted to lead to an abnormal or absent protein product due to the creation of a premature termination codon in GALT, a gene where loss-of-function variants are known to be pathogenic. Please note: this variant was assessed in the context of healthy population screening.

NM_000155.4(GALT):c.615_616del (p.Gln206fs)

Gene: GALT (galactose-1-phosphate uridylyltransferase; plus strand). Cytogenetic location: 9p13.3.
Variant type: Microsatellite.
Coding change: c.615_616del on transcript NM_000155.4 (MANE Select); coding-DNA positions 615 to 616, 2 bases deleted (TC; older notation c.615_616delTC).
Protein change: p.Gln206fs; shifts the reading frame from glutamine 206.
Molecular consequence: frameshift variant.
Genome position (GRCh38, 1-based): chr9:34,648,384-34,648,385, TC deleted; deleting any 2 consecutive bases within chr9:34,648,382-34,648,385 gives the same sequence; the c. name uses the placement nearest the transcript's 3' end. VCF-style (leftmost placement, unchanged base first): chr9-34648381-ATC-A. GRCh37 (hg19) VCF-style: chr9-34648378-ATC-A.
Other names: c.288_289del, p.Gln97fs (NM_001258332.2); short protein forms Q206fs, Q97fs.
Identifiers: ClinVar variation 1725329 (VCV001725329.2), dbSNP rs2492869513, ClinGen allele CA2580616212.